The following is an entry in ClinVar:

NM_170665.4(ATP2A2):c.547G>A (p.Glu183Lys)

Gene: ATP2A2 (ATPase sarcoplasmic/endoplasmic reticulum Ca2+ transporting 2; plus strand). Cytogenetic location: 12q24.11.
Variant type: single nucleotide variant.
Coding change: c.547G>A on transcript NM_170665.4 (MANE Select); coding-DNA position 547, G replaced by A.
Protein change: p.Glu183Lys; replaces glutamic acid 183 with lysine.
Molecular consequence: missense variant.
Genome position (GRCh38, 1-based): chr12:110,326,392, G>A. VCF-style: chr12-110326392-G-A. GRCh37 (hg19) VCF-style: chr12-110764197-G-A.
Other names: c.442G>A, p.Glu148Lys (NM_001413013.1); c.547G>A, p.Glu183Lys (NM_001413014.1, NM_001681.4); c.172G>A, p.Glu58Lys (NM_001413015.1); short protein forms E58K, E183K, E148K.
Identifiers: ClinVar variation 2735971 (VCV002735971.3), dbSNP rs2548552653, ClinGen allele CA386666021.

ClinVar aggregate classification (germline): Uncertain significance (1 of 4 stars; one submission).

Submission:

Labcorp Genetics (formerly Invitae), Labcorp
Classification: Uncertain significance. Last evaluated: 2023-08-04. Review status: criteria provided, single submitter. Criteria: Invitae Variant Classification Sherloc (09022015). Collection method: clinical testing. Allele origin: germline.
Comment: In summary, the available evidence is currently insufficient to determine the role of this variant in disease. Therefore, it has been classified as a Variant of Uncertain Significance. This variant disrupts the p.Glu183 amino acid residue in ATP2A2. Other variant(s) that disrupt this residue have been observed in individuals with ATP2A2-related conditions (PMID: 12925202, 28008204), which suggests that this may be a clinically significant amino acid residue. An algorithm developed to predict the effect of missense changes on protein structure and function (PolyPhen-2) suggests that this variant is likely to be disruptive. This missense change has been observed in individual(s) with Darier disease (PMID: 12925202). This variant is not present in population databases (gnomAD no frequency). This sequence change replaces glutamic acid, which is acidic and polar, with lysine, which is basic and polar, at codon 183 of the ATP2A2 protein (p.Glu183Lys).

Literature cited by the submitters: PubMed 12925202; PubMed 28008204.